The following is an entry in ClinVar:

ClinVar aggregate classification (germline): Conflicting classifications of pathogenicity. Review status: criteria provided, conflicting classifications (1 of 4 stars). 5 submissions from 5 submitters: Uncertain significance (1); Benign (1); Likely benign (2). 1 of the submissions does not count toward it. Last evaluated 2025-11-30.

Conditions:
POLE-related disorder. Also called: POLE-related disorders; POLE-related condition.
Hereditary cancer-predisposing syndrome. Also called: Tumor predisposition; Neoplastic Syndromes, Hereditary; Hereditary Cancer Syndrome; Hereditary neoplastic syndrome. Identifiers: Orphanet 140162, MedGen C0027672, MeSH D009386, MONDO:0015356.
Colorectal cancer, susceptibility to, 12 (CRCS12). Also called: COLORECTAL CANCER, SUSCEPTIBILITY TO, ON CHROMOSOME 12q24. Identifiers: Orphanet 220460, MedGen C3554460, MONDO:0014038, OMIM 615083.

Submissions (5):

Labcorp Genetics (formerly Invitae), Labcorp
Classification: Likely benign. Last evaluated: 2025-11-30. Review status: criteria provided, single submitter. Criteria: Invitae Variant Classification Sherloc (09022015). Collection method: clinical testing. Allele origin: germline.

Myriad Genetics, Inc.
Classification: Benign for Colorectal cancer, susceptibility to, 12. Last evaluated: 2025-02-07. Review status: criteria provided, single submitter. Criteria: Myriad Autosomal Dominant, Autosomal Recessive and X-Linked Classification Criteria (2023). Collection method: clinical testing. Allele origin: unknown.
Comment: This variant is considered benign. This variant is a silent/synonymous amino acid change and it is not expected to impact splicing.

Ambry Genetics
Classification: Likely benign for Hereditary cancer-predisposing syndrome. Last evaluated: 2023-05-25. Review status: criteria provided, single submitter. Criteria: Ambry Variant Classification Scheme 2023. Collection method: clinical testing. Allele origin: germline.

Quest Diagnostics Nichols Institute San Juan Capistrano
Classification: Uncertain significance. Last evaluated: 2019-04-12. Review status: criteria provided, single submitter. Criteria: Quest Diagnostics criteria. Collection method: clinical testing. Allele origin: germline.

PreventionGenetics, part of Exact Sciences
Classification: Likely benign for POLE-related condition. Last evaluated: 2019-03-14. Review status: no assertion criteria provided. Collection method: clinical testing. Allele origin: germline. Not counted in ClinVar's aggregate classification.
Comment: This variant is classified as likely benign based on ACMG/AMP sequence variant interpretation guidelines (Richards et al. 2015 PMID: 25741868, with internal and published modifications).

NM_006231.4(POLE):c.804C>T (p.Asp268=)

Gene: POLE (DNA polymerase epsilon, catalytic subunit; minus strand). Cytogenetic location: 12q24.33.
Variant type: single nucleotide variant.
Coding change: c.804C>T on transcript NM_006231.4 (MANE Select); coding-DNA position 804, C replaced by T.
Protein change: p.Asp268=; no amino-acid change (aspartic acid 268 retained).
Molecular consequence: synonymous variant.
Genome position (GRCh38, 1-based): chr12:132,676,651, G>A on the plus strand (C>T on the coding strand, the complement: POLE is on the minus strand). VCF-style: chr12-132676651-G-A. GRCh37 (hg19) VCF-style: chr12-133253237-G-A.
Other names: c.804C>T (NM_006231.2).
Identifiers: ClinVar variation 801272 (VCV000801272.8), dbSNP rs1593079711, ClinGen allele CA482723751.